The following is an entry in ClinVar:

ClinVar aggregate classification (germline): Uncertain significance. Review status: criteria provided, multiple submitters, no conflicts (2 of 4 stars). 2 submissions from 2 submitters: Uncertain significance (2). Last evaluated 2024-11-08.

Conditions:
Inborn genetic diseases. Identifiers: MedGen C0950123, MeSH D030342.

Allele frequency attached by ClinVar (database versions not stated): gnomAD exomes below 0.00001; ExAC 0.00001; gnomAD 0.00005; TOPMed 0.00006.
gnomAD v4.1: 10 of 1,295,412 alleles (0.00077%); highest among the groups gnomAD compares: African/African-American, 0.012%; no homozygotes.

Submissions (2):

Ambry Genetics
Classification: Uncertain significance for Inborn genetic diseases. Last evaluated: 2024-11-08. Review status: criteria provided, single submitter. Criteria: Ambry Variant Classification Scheme 2023. Collection method: clinical testing. Allele origin: germline.

Labcorp Genetics (formerly Invitae), Labcorp
Classification: Uncertain significance. Last evaluated: 2021-08-26. Review status: criteria provided, single submitter. Criteria: Invitae Variant Classification Sherloc (09022015). Collection method: clinical testing. Allele origin: germline.
Comment: This sequence change replaces alanine with valine at codon 16 of the COL27A1 protein (p.Ala16Val). The alanine residue is weakly conserved and there is a small physicochemical difference between alanine and valine. This variant is present in population databases (rs767203384, ExAC 0.02%). This variant has not been reported in the literature in individuals affected with COL27A1-related conditions. Advanced modeling of protein sequence and biophysical properties (such as structural, functional, and spatial information, amino acid conservation, physicochemical variation, residue mobility, and thermodynamic stability) performed at Invitae indicates that this missense variant is not expected to disrupt COL27A1 protein function. In summary, the available evidence is currently insufficient to determine the role of this variant in disease. Therefore, it has been classified as a Variant of Uncertain Significance.

NM_032888.4(COL27A1):c.47C>T (p.Ala16Val)

Gene: COL27A1 (collagen type XXVII alpha 1 chain; plus strand). Cytogenetic location: 9q32.
Variant type: single nucleotide variant.
Coding change: c.47C>T on transcript NM_032888.4 (MANE Select); coding-DNA position 47, C replaced by T.
Protein change: p.Ala16Val; replaces alanine 16 with valine.
Molecular consequence: missense variant.
Genome position (GRCh38, 1-based): chr9:114,155,997, C>T. VCF-style: chr9-114155997-C-T. GRCh37 (hg19) VCF-style: chr9-116918277-C-T.
Other names: c.47C>T (NM_032888.2); short protein forms A16V.
Identifiers: ClinVar variation 2145826 (VCV002145826.2), dbSNP rs767203384, ClinGen allele CA5200979.